The following is an entry in ClinVar:

NM_001355436.2(SPTB):c.4811A>G (p.Glu1604Gly)

Gene: SPTB (spectrin beta, erythrocytic; minus strand). Cytogenetic location: 14q23.3.
Variant type: single nucleotide variant.
Coding change: c.4811A>G on transcript NM_001355436.2 (MANE Select); coding-DNA position 4811, A replaced by G.
Protein change: p.Glu1604Gly; replaces glutamic acid 1604 with glycine.
Molecular consequence: missense variant.
Genome position (GRCh38, 1-based): chr14:64,775,156, T>C on the plus strand (A>G on the coding strand, the complement: SPTB is on the minus strand). VCF-style: chr14-64775156-T-C. GRCh37 (hg19) VCF-style: chr14-65241874-T-C.
Other names: c.4811A>G, p.Glu1604Gly (NM_001024858.4, NM_001355437.2); short protein forms E1604G.
Identifiers: ClinVar variation 4706650 (VCV004706650.1).
Genomic context (GRCh38, chr14:64,775,156, plus strand): 5'-CCTGGCTGGTATCCCCTGCCCGAACAGACCTTGGGGATCTCATCGGAGATGACGTAGAGC[T>C]CCTGCTCGCCAATCCAGGCCTCAGCCTCGTCTGCATCCAGGTAGTACTGCTGTGCCTCGT-3'
Protein context (NP_001342365.1, residues 1594-1614): DEAEAWIGEQ[Glu1604Gly]LYVISDEIPK

ClinVar aggregate classification (germline): Uncertain significance (1 of 4 stars; one submission).

gnomAD v4.1: 1 of 1,613,954 alleles (0.000062%); highest among the groups gnomAD compares: Admixed American, 0.0017%; no homozygotes.

Submission:

Labcorp Genetics (formerly Invitae), Labcorp
Classification: Uncertain significance. Last evaluated: 2025-05-25. Review status: criteria provided, single submitter. Criteria: Invitae Variant Classification Sherloc (09022015). Collection method: clinical testing. Allele origin: germline.
Comment: This sequence change replaces glutamic acid, which is acidic and polar, with glycine, which is neutral and non-polar, at codon 1604 of the SPTB protein (p.Glu1604Gly). This variant is not present in population databases (gnomAD no frequency). This variant has not been reported in the literature in individuals affected with SPTB-related conditions. An algorithm developed to predict the effect of missense changes on protein structure and function outputs the following: PolyPhen-2: "Benign". The glycine amino acid residue is found in multiple mammalian species, which suggests that this missense change does not adversely affect protein function. In summary, the available evidence is currently insufficient to determine the role of this variant in disease. Therefore, it has been classified as a Variant of Uncertain Significance.